The following is an entry in ClinVar:

NM_001572.5(IRF7):c.943G>A (p.Gly315Ser)

Gene: IRF7 (interferon regulatory factor 7; minus strand). Cytogenetic location: 11p15.5.
Variant type: single nucleotide variant.
Coding change: c.943G>A on transcript NM_001572.5 (MANE Select); coding-DNA position 943, G replaced by A.
Protein change: p.Gly315Ser; replaces glycine 315 with serine.
Molecular consequence: missense variant.
Genome position (GRCh38, 1-based): chr11:613,500, C>T on the plus strand (G>A on the coding strand, the complement: IRF7 is on the minus strand). VCF-style: chr11-613500-C-T. GRCh37 (hg19) VCF-style: chr11-613500-C-T.
Other names: c.856G>A, p.Gly286Ser (NM_004029.4); c.982G>A, p.Gly328Ser (NM_004031.4); short protein forms G286S, G315S, G328S.
Identifiers: ClinVar variation 2977555 (VCV002977555.3), dbSNP rs775954204, ClinGen allele CA5783630.

ClinVar aggregate classification (germline): Uncertain significance (1 of 4 stars; one submission).

Conditions:
Immunodeficiency 39 (IMD39). Identifiers: Orphanet 574918, MedGen C4225358, MONDO:0014597, OMIM 616345.

Allele frequency attached by ClinVar (database versions not stated): TOPMed below 0.00001; gnomAD 0.00001; ExAC 0.00002.
gnomAD v4.1: 7 of 1,541,122 alleles (0.00045%); highest among the groups gnomAD compares: African/African-American, 0.0028%; no homozygotes.

Submission:

Labcorp Genetics (formerly Invitae), Labcorp
Classification: Uncertain significance for Immunodeficiency 39. Last evaluated: 2023-03-22. Review status: criteria provided, single submitter. Criteria: Invitae Variant Classification Sherloc (09022015). Collection method: clinical testing. Allele origin: germline.
Comment: This sequence change replaces glycine, which is neutral and non-polar, with serine, which is neutral and polar, at codon 328 of the IRF7 protein (p.Gly328Ser). This variant is present in population databases (rs775954204, gnomAD 0.02%). This variant has not been reported in the literature in individuals affected with IRF7-related conditions. Advanced modeling of protein sequence and biophysical properties (such as structural, functional, and spatial information, amino acid conservation, physicochemical variation, residue mobility, and thermodynamic stability) performed at Invitae indicates that this missense variant is not expected to disrupt IRF7 protein function. In summary, the available evidence is currently insufficient to determine the role of this variant in disease. Therefore, it has been classified as a Variant of Uncertain Significance.